The following is an entry in ClinVar:

NM_032776.3(JMJD1C):c.6043C>T (p.Leu2015Phe)

Gene: JMJD1C (jumonji domain containing 1C; minus strand). Cytogenetic location: 10q21.3.
Variant type: single nucleotide variant.
Coding change: c.6043C>T on transcript NM_032776.3 (MANE Select); coding-DNA position 6043, C replaced by T.
Protein change: p.Leu2015Phe; replaces leucine 2015 with phenylalanine.
Molecular consequence: missense variant. On other transcripts: non-coding transcript variant (1).
Genome position (GRCh38, 1-based): chr10:63,192,971, G>A on the plus strand (C>T on the coding strand, the complement: JMJD1C is on the minus strand). VCF-style: chr10-63192971-G-A. GRCh37 (hg19) VCF-style: chr10-64952731-G-A.
Other names: c.5497C>T, p.Leu1833Phe (NM_001282948.2, NM_001318154.2); c.5179C>T, p.Leu1727Phe (NM_001318153.2); c.5929C>T, p.Leu1977Phe (NM_001322252.2); c.5386C>T, p.Leu1796Phe (NM_001322254.2, NM_001322258.2); short protein forms L1727F, L1796F, L1833F, L1977F, L2015F.
Identifiers: ClinVar variation 1005460 (VCV001005460.8), dbSNP rs991159102, ClinGen allele CA208361064.

ClinVar aggregate classification (germline): Uncertain significance (1 of 4 stars; one submission).

Conditions:
Early Myoclonic Encephalopathy. Identifiers: MedGen C0270855.

Allele frequency attached by ClinVar (database versions not stated): gnomAD exomes below 0.00001; TOPMed 0.00001.
gnomAD v4.1: 27 of 1,613,804 alleles (0.0017%); highest among the groups gnomAD compares: Non-Finnish European, 0.0023%; no homozygotes.

Submission:

Labcorp Genetics (formerly Invitae), Labcorp
Classification: Uncertain significance for Early Myoclonic Encephalopathy. Last evaluated: 2020-06-04. Review status: criteria provided, single submitter. Criteria: Invitae Variant Classification Sherloc (09022015). Collection method: clinical testing. Allele origin: germline.
Comment: This sequence change replaces leucine with phenylalanine at codon 2015 of the JMJD1C protein (p.Leu2015Phe). The leucine residue is highly conserved and there is a small physicochemical difference between leucine and phenylalanine. This variant is not present in population databases (ExAC no frequency). This variant has not been reported in the literature in individuals with JMJD1C-related conditions. Algorithms developed to predict the effect of missense changes on protein structure and function are either unavailable or do not agree on the potential impact of this missense change (SIFT: "Deleterious"; PolyPhen-2: "Probably Damaging"; Align-GVGD: "Class C15"). In summary, the available evidence is currently insufficient to determine the role of this variant in disease. Therefore, it has been classified as a Variant of Uncertain Significance.